The following is an entry in ClinVar:

ClinVar aggregate classification (germline): Uncertain significance (1 of 4 stars; one submission).

Allele frequency attached by ClinVar (database versions not stated): gnomAD exomes 0.00001; TOPMed 0.00001.
gnomAD v4.1: 7 of 1,550,366 alleles (0.00045%); highest among the groups gnomAD compares: African/African-American, 0.0027%; no homozygotes.

Submission:

GeneDx
Classification: Uncertain significance. Last evaluated: 2020-02-06. Review status: criteria provided, single submitter. Criteria: GeneDx Variant Classification Process June 2021. Collection method: clinical testing. Allele origin: germline. Affected: yes.
Comment: Not observed at a significant frequency in large population cohorts (Lek et al., 2016); In silico analysis supports that this missense variant does not alter protein structure/function; Has not been previously published as pathogenic or benign to our knowledge

NM_001367624.2(ZNF469):c.3781G>A (p.Gly1261Ser)

Gene: ZNF469 (zinc finger protein 469; plus strand). Cytogenetic location: 16q24.2.
Variant type: single nucleotide variant.
Coding change: c.3781G>A on transcript NM_001367624.2 (MANE Select); coding-DNA position 3781, G replaced by A.
Protein change: p.Gly1261Ser; replaces glycine 1261 with serine.
Molecular consequence: missense variant.
Genome position (GRCh38, 1-based): chr16:88,431,251, G>A. VCF-style: chr16-88431251-G-A. GRCh37 (hg19) VCF-style: chr16-88497659-G-A.
Other names: NM_001127464.1:c.3697G>A; short protein forms G1261S.
Identifiers: ClinVar variation 1315288 (VCV001315288.2), dbSNP rs913053503, ClinGen allele CA286375252.